The following is an entry in ClinVar:

NM_001257291.2(SLC9A7):c.106GCGGCC[3] (p.Ala39_Ser40insAlaAla)

Genes: SLC9A7 (solute carrier family 9 member A7; minus strand), LOC130068197 (ATAC-STARR-seq lymphoblastoid silent region 20793; plus strand). Cytogenetic location: Xp11.3.
Variant type: Microsatellite.
Coding change: c.106GCGGCC[3] on transcript NM_001257291.2 (MANE Select); three copies in a row of the 6-base unit GCGGCC starting at c.106; the reference has two copies in a row; one copy, 6 bases duplicated.
Protein change: p.Ala39_Ser40insAlaAla.
Molecular consequence: inframe insertion.
Genome position (GRCh38, 1-based): chrX:46,758,913-46,758,918, GGCCGC duplicated on the plus strand (GCGGCC on the coding strand, the reverse complement: SLC9A7 is on the minus strand); duplicating any 6 consecutive bases within chrX:46,758,913-46,758,925 gives the same sequence; the position shown is the placement nearest the transcript's 3' end. VCF-style (leftmost placement, unchanged base first): chrX-46758912-A-AGGCCGC. GRCh37 (hg19) VCF-style: chrX-46618347-A-AGGCCGC.
Other names: c.106GCGGCC[3], p.Ala39_Ser40insAlaAla (NM_032591.3).
Identifiers: ClinVar variation 2660393 (VCV002660393.24), dbSNP rs782332183, ClinGen allele CA10394140.

ClinVar aggregate classification (germline): Uncertain significance (1 of 4 stars; one submission).

Submission:

CeGaT Center for Human Genetics Tuebingen
Classification: Uncertain significance. Last evaluated: 2023-07-01. Review status: criteria provided, single submitter. Criteria: CeGaT Center For Human Genetics Tuebingen Variant Classification Criteria Version 2. Collection method: clinical testing. Allele origin: germline. Affected: yes. Observed: 1 variant allele.
Comment: SLC9A7: PM4